The following is an entry in ClinVar:

ClinVar aggregate classification (germline): Uncertain significance. Review status: criteria provided, multiple submitters, no conflicts (2 of 4 stars). 3 submissions from 3 submitters: Uncertain significance (3). Last evaluated 2025-07-10.

Conditions:
Inborn genetic diseases. Identifiers: MedGen C0950123, MeSH D030342.
Hereditary cancer-predisposing syndrome. Also called: Tumor predisposition; Hereditary neoplastic syndrome; Neoplastic Syndromes, Hereditary; Hereditary Cancer Syndrome. Identifiers: Orphanet 140162, MedGen C0027672, MeSH D009386, MONDO:0015356.
Fanconi anemia (FA). Also called: Fanconi's anemia. Identifiers: Orphanet 84, MedGen C0015625, MeSH D005199, MONDO:0019391.

Allele frequency attached by ClinVar (database versions not stated): TOPMed below 0.00001; gnomAD 0.00001; gnomAD exomes 0.00001; ExAC 0.00003.

Submissions (3):

Laboratorio de I+D, Fundación Centro Médico de Asturias
Classification: Uncertain significance for Hereditary cancer-predisposing syndrome. Last evaluated: 2025-07-10. Review status: criteria provided, single submitter. Criteria: ACMG Guidelines, 2015. Collection method: clinical testing. Allele origin: germline.
Comment: PM2_Supporting+BP1

Ambry Genetics
Classification: Uncertain significance for Inborn genetic diseases. Last evaluated: 2025-06-19. Review status: criteria provided, single submitter. Criteria: Ambry Variant Classification Scheme 2023. Collection method: clinical testing. Allele origin: germline.

Labcorp Genetics (formerly Invitae), Labcorp
Classification: Uncertain significance for Fanconi anemia. Last evaluated: 2024-01-29. Review status: criteria provided, single submitter. Criteria: Invitae Variant Classification Sherloc (09022015). Collection method: clinical testing. Allele origin: germline.
Comment: This sequence change replaces methionine, which is neutral and non-polar, with arginine, which is basic and polar, at codon 145 of the FANCF protein (p.Met145Arg). This variant is present in population databases (rs746409614, gnomAD 0.003%). This variant has not been reported in the literature in individuals affected with FANCF-related conditions. ClinVar contains an entry for this variant (Variation ID: 2199374). Advanced modeling of protein sequence and biophysical properties (such as structural, functional, and spatial information, amino acid conservation, physicochemical variation, residue mobility, and thermodynamic stability) has been performed at Invitae for this missense variant, however the output from this modeling did not meet the statistical confidence thresholds required to predict the impact of this variant on FANCF protein function. In summary, the available evidence is currently insufficient to determine the role of this variant in disease. Therefore, it has been classified as a Variant of Uncertain Significance.

NM_022725.4(FANCF):c.434T>G (p.Met145Arg)

Gene: FANCF (FA complementation group F; minus strand). Cytogenetic location: 11p14.3.
Variant type: single nucleotide variant.
Coding change: c.434T>G on transcript NM_022725.4 (MANE Select); coding-DNA position 434, T replaced by G.
Protein change: p.Met145Arg; replaces methionine 145 with arginine.
Molecular consequence: missense variant.
Genome position (GRCh38, 1-based): chr11:22,625,377, A>C on the plus strand (T>G on the coding strand, the complement: FANCF is on the minus strand). VCF-style: chr11-22625377-A-C. GRCh37 (hg19) VCF-style: chr11-22646923-A-C.
Other names: short protein forms M145R.
Identifiers: ClinVar variation 2199374 (VCV002199374.5), dbSNP rs746409614, ClinGen allele CA5924332.